The following is an entry in ClinVar:

NM_006389.5(HYOU1):c.772C>G (p.Gln258Glu)

Gene: HYOU1 (hypoxia up-regulated 1; minus strand). Cytogenetic location: 11q23.3.
Variant type: single nucleotide variant.
Coding change: c.772C>G on transcript NM_006389.5 (MANE Select); coding-DNA position 772, C replaced by G.
Protein change: p.Gln258Glu; replaces glutamine 258 with glutamic acid.
Molecular consequence: missense variant.
Genome position (GRCh38, 1-based): chr11:119,054,143, G>C on the plus strand (C>G on the coding strand, the complement: HYOU1 is on the minus strand). VCF-style: chr11-119054143-G-C. GRCh37 (hg19) VCF-style: chr11-118924855-G-C.
Other names: c.772C>G, p.Gln258Glu (NM_001130991.3); c.772C>G (NM_006389.4); short protein forms Q258E.
Identifiers: ClinVar variation 1101861 (VCV001101861.10), dbSNP rs144079825, ClinGen allele CA229647708.

ClinVar aggregate classification (germline): Likely benign. Review status: criteria provided, multiple submitters, no conflicts (2 of 4 stars). 2 submissions from 2 submitters: Likely benign (2). Last evaluated 2026-01-27.

Conditions:
HYOU1-related disorder. Also called: HYOU1-related condition.

Allele frequency attached by ClinVar (database versions not stated): gnomAD exomes 0.00010; gnomAD 0.00013 and 0.00017; TOPMed 0.00019; 1000 Genomes Project 30x 0.00062.
gnomAD v4.1: 175 of 1,612,260 alleles (0.011%); highest among the groups gnomAD compares: East Asian, 0.27%; no homozygotes.

Submissions (2):

Labcorp Genetics (formerly Invitae), Labcorp
Classification: Likely benign. Last evaluated: 2026-01-27. Review status: criteria provided, single submitter. Criteria: Invitae Variant Classification Sherloc (09022015). Collection method: clinical testing. Allele origin: germline.

PreventionGenetics, part of Exact Sciences
Classification: Likely benign for HYOU1-related condition. Last evaluated: 2025-03-18. Review status: criteria provided, single submitter. Criteria: ACMG Guidelines, 2015. Collection method: clinical testing. Allele origin: germline.
Comment: This variant is classified as likely benign based on ACMG/AMP sequence variant interpretation guidelines (Richards et al. 2015 PMID: 25741868, with internal and published modifications).